The following is an entry in ClinVar:

ClinVar aggregate classification (germline): Uncertain significance (1 of 4 stars; one submission).

Conditions:
Gastrointestinal stromal tumor. Also called: Gastrointestinal stromal tumor, somatic; Gastrointestinal stroma tumor. Identifiers: Orphanet 44890, MedGen C0238198, MeSH D046152, MONDO:0011719, OMIM 606764, HP:0100723.

Submission:

St. Jude Molecular Pathology, St. Jude Children's Research Hospital
Classification: Uncertain significance for Gastrointestinal stromal tumor. Last evaluated: 2023-11-28. Review status: criteria provided, single submitter. Criteria: St. Jude Assertion Criteria 2020. Collection method: clinical testing. Allele origin: germline.
Comment: The KIT c.124G>A (p.Gly42Arg) missense change is absent in gnomAD v2.1.1. The in silico tool REVEL predicts a benign effect on protein function, but this prediction has not been confirmed by functional studies. This variant has not been reported in individuals with KIT-related gastrointestinal stromal tumor. In summary, the evidence currently available is insufficient to determine the clinical significance of this variant. It has therefore been classified as of uncertain significance.

NM_000222.3(KIT):c.124G>A (p.Gly42Arg)

Gene: KIT (KIT proto-oncogene, receptor tyrosine kinase; plus strand). Cytogenetic location: 4q12.
Variant type: single nucleotide variant.
Coding change: c.124G>A on transcript NM_000222.3 (MANE Select); coding-DNA position 124, G replaced by A.
Protein change: p.Gly42Arg; replaces glycine 42 with arginine.
Molecular consequence: missense variant.
Genome position (GRCh38, 1-based): chr4:54,695,568, G>A. VCF-style: chr4-54695568-G-A. GRCh37 (hg19) VCF-style: chr4-55561734-G-A.
Other names: c.124G>A, p.Gly42Arg (NM_001093772.2, NM_001385284.1, NM_001385285.1 and 4 more transcripts); short protein forms G42R.
Identifiers: ClinVar variation 2663980 (VCV002663980.1), dbSNP rs2475440518, ClinGen allele CA356896888.